The following is an entry in ClinVar:

ClinVar aggregate classification (germline): Likely pathogenic. Review status: criteria provided, multiple submitters, no conflicts (2 of 4 stars). 4 submissions from 4 submitters: Likely pathogenic (3). 1 of the submissions does not count toward it. Last evaluated 2025-10-31.

Conditions:
Metachromatic leukodystrophy (MLD). Also called: Cerebral sclerosis diffuse metachromatic form; Arylsulfatase A Deficiency; METACHROMATIC LEUKOENCEPHALOPATHY; SULFATIDE LIPIDOSIS; ARSA DEFICIENCY; CEREBROSIDE SULFATASE DEFICIENCY. Identifiers: Orphanet 512, MedGen C0023522, MONDO:0018868, OMIM 250100.

Submissions (4):

Myriad Genetics, Inc.
Classification: Likely pathogenic for Metachromatic leukodystrophy. Last evaluated: 2025-10-31. Review status: criteria provided, single submitter. Criteria: Myriad Autosomal Dominant, Autosomal Recessive and X-Linked Classification Criteria (2023). Collection method: clinical testing. Allele origin: unknown.
Comment: NM_000487.5(ARSA):c.581C>A(P194H) is a missense variant classified as likely pathogenic in the context of metachromatic leukodystrophy. P194H has been observed in a case with relevant disease (PMID: 37597066). Relevant functional assessments of this variant are not available in the literature. Internal structural analysis of the variant is supportive of pathogenicity. P194H has not been observed in referenced population frequency databases. In summary, NM_000487.5(ARSA):c.581C>A(P194H) is a missense variant that has internal structural support for pathogenicity and has been observed more frequently in cases with the relevant disease than in healthy populations. Please note: this variant was assessed in the context of healthy population screening.

Women's Health and Genetics/Laboratory Corporation of America, LabCorp
Classification: Likely pathogenic for Metachromatic leukodystrophy. Last evaluated: 2025-02-17. Review status: criteria provided, single submitter. Criteria: LabCorp Variant Classification Summary - May 2015. Collection method: clinical testing. Allele origin: germline.
Comment: Variant summary: ARSA c.581C>A (p.Pro194His) results in a non-conservative amino acid change in the encoded protein sequence. Three of four in-silico tools predict a damaging effect of the variant on protein function. The variant was absent in 249122 control chromosomes (gnomAD). c.581C>A has been reported in the literature in one homozygous individual affected with Leukodystrophy (Ashrafi_2023). These data indicate that the variant may be associated with disease. A different variant affecting the same codon has been classified as pathogenic by our lab (c.581C>G, p.Pro194Arg), supporting the critical relevance of codon 194 to ARSA protein function. To our knowledge, no experimental evidence demonstrating an impact on protein function has been reported. The following publication have been ascertained in the context of this evaluation (PMID: 37597066). ClinVar contains an entry for this variant (Variation ID: 996130). Based on the evidence outlined above, the variant was classified as likely pathogenic.

Labcorp Genetics (formerly Invitae), Labcorp
Classification: Likely pathogenic for Metachromatic leukodystrophy. Last evaluated: 2023-04-04. Review status: criteria provided, single submitter. Criteria: Invitae Variant Classification Sherloc (09022015). Collection method: clinical testing. Allele origin: germline.
Comment: In summary, the currently available evidence indicates that the variant is pathogenic, but additional data are needed to prove that conclusively. Therefore, this variant has been classified as Likely Pathogenic. This variant disrupts the p.Pro194 amino acid residue in ARSA. Other variant(s) that disrupt this residue have been determined to be pathogenic (PMID: 31186049, 32617873). This suggests that this residue is clinically significant, and that variants that disrupt this residue are likely to be disease-causing. This sequence change replaces proline, which is neutral and non-polar, with histidine, which is basic and polar, at codon 194 of the ARSA protein (p.Pro194His). This variant is not present in population databases (gnomAD no frequency). This variant has not been reported in the literature in individuals affected with ARSA-related conditions. ClinVar contains an entry for this variant (Variation ID: 996130). Advanced modeling of protein sequence and biophysical properties (such as structural, functional, and spatial information, amino acid conservation, physicochemical variation, residue mobility, and thermodynamic stability) performed at Invitae indicates that this missense variant is expected to disrupt ARSA protein function.

Myelin Disorders Clinic-Children's Medical Center/Medical Genetics Lab-Tarbiat Modares University, Children's Medical Center, Pediatrics Center of Excellence,
Classification: Likely pathogenic for Metachromatic leukodystrophy. Review status: no assertion criteria provided. Collection method: clinical testing. Allele origin: inherited. Inheritance: Autosomal recessive inheritance. Affected: yes. Not counted in ClinVar's aggregate classification.

Literature cited by the submitters: PubMed 37597066 (cited by Myriad Genetics, Inc. and Women's Health and Genetics/Laboratory Corporation of America, LabCorp); PubMed 31186049 (cited by Labcorp Genetics (formerly Invitae), Labcorp); PubMed 32617873 (cited by Labcorp Genetics (formerly Invitae), Labcorp).

NM_000487.6(ARSA):c.581C>A (p.Pro194His)

Gene: ARSA (arylsulfatase A; minus strand). Cytogenetic location: 22q13.33.
Variant type: single nucleotide variant.
Coding change: c.581C>A on transcript NM_000487.6 (MANE Select); coding-DNA position 581, C replaced by A.
Protein change: p.Pro194His; replaces proline 194 with histidine.
Molecular consequence: missense variant.
Genome position (GRCh38, 1-based): chr22:50,626,937, G>T on the plus strand (C>A on the coding strand, the complement: ARSA is on the minus strand). VCF-style: chr22-50626937-G-T. GRCh37 (hg19) VCF-style: chr22-51065365-G-T.
Other names: c.581C>A, p.Pro194His (NM_001085425.3, NM_001085426.3, NM_001085427.3); c.323C>A, p.Pro108His (NM_001085428.3, NM_001362782.2); short protein forms P194H, P108H.
Identifiers: ClinVar variation 996130 (VCV000996130.6), dbSNP rs769492279, ClinGen allele CA325531514.